The following is an entry in ClinVar:

ClinVar aggregate classification (germline): Uncertain significance. Review status: criteria provided, multiple submitters, no conflicts (2 of 4 stars). 2 submissions from 2 submitters: Uncertain significance (2). Last evaluated 2025-06-22.

Conditions:
Hereditary pulmonary alveolar proteinosis. Also called: Pulmonary surfactant metabolism dysfunction. Identifiers: Orphanet 264675, MedGen C3711368, MONDO:0012580.

gnomAD v4.1: 3 of 1,613,360 alleles (0.00019%); highest among the groups gnomAD compares: Admixed American, 0.0033%; no homozygotes.

Submissions (2):

Ambry Genetics
Classification: Uncertain significance for Hereditary pulmonary alveolar proteinosis. Last evaluated: 2025-06-22. Review status: criteria provided, single submitter. Criteria: Ambry Variant Classification Scheme 2023. Collection method: clinical testing. Allele origin: germline.

Labcorp Genetics (formerly Invitae), Labcorp
Classification: Uncertain significance. Last evaluated: 2025-06-03. Review status: criteria provided, single submitter. Criteria: Invitae Variant Classification Sherloc (09022015). Collection method: clinical testing. Allele origin: germline.
Comment: This sequence change replaces proline, which is neutral and non-polar, with threonine, which is neutral and polar, at codon 490 of the ABCA3 protein (p.Pro490Thr). This variant is not present in population databases (gnomAD no frequency). This variant has not been reported in the literature in individuals affected with ABCA3-related conditions. An algorithm developed to predict the effect of missense changes on protein structure and function (PolyPhen-2) suggests that this variant is likely to be disruptive. In summary, the available evidence is currently insufficient to determine the role of this variant in disease. Therefore, it has been classified as a Variant of Uncertain Significance.

NM_001089.3(ABCA3):c.1468C>A (p.Pro490Thr)

Gene: ABCA3 (ATP binding cassette subfamily A member 3; minus strand). Cytogenetic location: 16p13.3.
Variant type: single nucleotide variant.
Coding change: c.1468C>A on transcript NM_001089.3 (MANE Select); coding-DNA position 1468, C replaced by A.
Protein change: p.Pro490Thr; replaces proline 490 with threonine.
Molecular consequence: missense variant.
Genome position (GRCh38, 1-based): chr16:2,300,148, G>T on the plus strand (C>A on the coding strand, the complement: ABCA3 is on the minus strand). VCF-style: chr16-2300148-G-T. GRCh37 (hg19) VCF-style: chr16-2350149-G-T.
Other names: short protein forms P490T.
Identifiers: ClinVar variation 4265314 (VCV004265314.2).